The following is an entry in ClinVar:

NM_145059.3(FCSK):c.1561G>A (p.Ala521Thr)

Gene: FCSK (fucose kinase; plus strand). Cytogenetic location: 16q22.1.
Variant type: single nucleotide variant.
Coding change: c.1561G>A on transcript NM_145059.3 (MANE Select); coding-DNA position 1561, G replaced by A.
Protein change: p.Ala521Thr; replaces alanine 521 with threonine.
Molecular consequence: missense variant.
Genome position (GRCh38, 1-based): chr16:70,473,137, G>A. VCF-style: chr16-70473137-G-A. GRCh37 (hg19) VCF-style: chr16-70507040-G-A.
Other names: c.1561G>A (NM_145059.2); short protein forms A521T.
Identifiers: ClinVar variation 1682373 (VCV001682373.11), dbSNP rs17881069, ClinGen allele CA8143378.

ClinVar aggregate classification (germline): Benign. Review status: criteria provided, multiple submitters, no conflicts (2 of 4 stars). 3 submissions from 3 submitters: Benign (2). 1 of the submissions does not count toward it. Last evaluated 2026-01-27.

Conditions:
FCSK-related disorder. Also called: FCSK-related condition.

Allele frequency attached by ClinVar (database versions not stated): ESP Exome Variant Server 0.02590; gnomAD 0.03202 and 0.03436; TOPMed 0.03516; 1000 Genomes Project 0.03534; 1000 Genomes Project 30x 0.03919.

Submissions (3):

Labcorp Genetics (formerly Invitae), Labcorp
Classification: Benign. Last evaluated: 2026-01-27. Review status: criteria provided, single submitter. Criteria: Invitae Variant Classification Sherloc (09022015). Collection method: clinical testing. Allele origin: germline.

Breakthrough Genomics
Classification: Benign. Review status: criteria provided, single submitter. Criteria: ACMG Guidelines, 2015. Collection method: not provided. Allele origin: germline. Inheritance: Autosomal recessive inheritance. Affected: yes.

PreventionGenetics, part of Exact Sciences
Classification: Benign for FCSK-related condition. Last evaluated: 2019-06-17. Review status: no assertion criteria provided. Collection method: clinical testing. Allele origin: germline. Not counted in ClinVar's aggregate classification.
Comment: This variant is classified as benign based on ACMG/AMP sequence variant interpretation guidelines (Richards et al. 2015 PMID: 25741868, with internal and published modifications).